The following is an entry in ClinVar:

NM_001012339.3(DNAJC21):c.642T>G (p.Asp214Glu)

Gene: DNAJC21 (DnaJ heat shock protein family (Hsp40) member C21; plus strand). Cytogenetic location: 5p13.2.
Variant type: single nucleotide variant.
Coding change: c.642T>G on transcript NM_001012339.3 (MANE Select); coding-DNA position 642, T replaced by G.
Protein change: p.Asp214Glu; replaces aspartic acid 214 with glutamic acid.
Molecular consequence: missense variant.
Genome position (GRCh38, 1-based): chr5:34,937,529, T>G. VCF-style: chr5-34937529-T-G. GRCh37 (hg19) VCF-style: chr5-34937634-T-G.
Other names: NM_194283.4:c.642T>G; c.642T>G, p.Asp214Glu (NM_001348420.2, NM_194283.4); short protein forms D214E.
Identifiers: ClinVar variation 4070920 (VCV004070920.1).

ClinVar aggregate classification (germline): Uncertain significance (1 of 4 stars; one submission).

Conditions:
Bone marrow failure syndrome 3 (BMFS3). Identifiers: MedGen C4310744, MONDO:0014887, OMIM 617052.

gnomAD v4.1: 5 of 1,613,858 alleles (0.00031%); highest among the groups gnomAD compares: East Asian, 0.0022%; no homozygotes.

Submission:

Broad Center for Mendelian Genomics, Broad Institute of MIT and Harvard
Classification: Uncertain significance for Bone marrow failure syndrome 3. Last evaluated: 2025-06-27. Review status: criteria provided, single submitter. Criteria: ACMG Guidelines, 2015. Collection method: curation. Allele origin: germline. Inheritance: Autosomal recessive inheritance. Study: GREGoR Consortium.
Comment: The phase of these variants are unknown at this time. The p.Asp214Glu variant in DNAJC21 has not been previously reported in the literature in individuals with bone marrow failure syndrome, and was identified in 0.002% (1/44890) of East Asian chromosomes by the Genome Aggregation Database (gnomAD; dbSNP rs1253330897). Although this variant has been seen in the general population in a heterozygous state, its frequency is low enough to be consistent with a recessive carrier frequency. Computational prediction tools and conservation analyses suggest that this variant may impact the protein, though this information is not predictive enough to determine pathogenicity. In summary, the clinical significance of the p.Asp214Glu variant is uncertain. ACMG/AMP Criteria applied: PP3, PM2_supporting (Richards 2015).